The following is an entry in ClinVar:

NM_014141.6(CNTNAP2):c.1280C>G (p.Thr427Ser)

Gene: CNTNAP2 (contactin associated protein 2; plus strand). Cytogenetic location: 7q35.
Variant type: single nucleotide variant.
Coding change: c.1280C>G on transcript NM_014141.6 (MANE Select); coding-DNA position 1280, C replaced by G.
Protein change: p.Thr427Ser; replaces threonine 427 with serine.
Molecular consequence: missense variant.
Genome position (GRCh38, 1-based): chr7:147,132,441, C>G. VCF-style: chr7-147132441-C-G. GRCh37 (hg19) VCF-style: chr7-146829533-C-G.
Other names: short protein forms T427S.
Identifiers: ClinVar variation 1515839 (VCV001515839.6), dbSNP rs776123229, ClinGen allele CA168690909.

ClinVar aggregate classification (germline): Uncertain significance (1 of 4 stars; one submission).

Conditions:
Cortical dysplasia-focal epilepsy syndrome (PTHSL1). Also called: Pitt-Hopkins-like syndrome 1. Identifiers: Orphanet 163681, Orphanet 221150, MedGen C2750246, MONDO:0012400, OMIM 610042.

Allele frequency attached by ClinVar (database versions not stated): gnomAD exomes below 0.00001; gnomAD 0.00002; TOPMed 0.00002.
gnomAD v4.1: 4 of 1,613,548 alleles (0.00025%); highest among the groups gnomAD compares: African/African-American, 0.0053%; no homozygotes.

Submission:

Labcorp Genetics (formerly Invitae), Labcorp
Classification: Uncertain significance for Cortical dysplasia-focal epilepsy syndrome. Last evaluated: 2022-09-27. Review status: criteria provided, single submitter. Criteria: Invitae Variant Classification Sherloc (09022015). Collection method: clinical testing. Allele origin: germline.
Comment: ClinVar contains an entry for this variant (Variation ID: 1515839). This variant has not been reported in the literature in individuals affected with CNTNAP2-related conditions. This variant is not present in population databases (gnomAD no frequency). This sequence change replaces threonine, which is neutral and polar, with serine, which is neutral and polar, at codon 427 of the CNTNAP2 protein (p.Thr427Ser). Algorithms developed to predict the effect of missense changes on protein structure and function (SIFT, PolyPhen-2, Align-GVGD) all suggest that this variant is likely to be tolerated. In summary, the available evidence is currently insufficient to determine the role of this variant in disease. Therefore, it has been classified as a Variant of Uncertain Significance.